The following is an entry in ClinVar:

ClinVar aggregate classification (germline): Conflicting classifications of pathogenicity. Review status: criteria provided, conflicting classifications (1 of 4 stars). 2 submissions from 2 submitters: Pathogenic (1); Uncertain significance (1). Last evaluated 2021-01-01.

Conditions:
Cortical dysplasia, complex, with other brain malformations 13. Also called: Intellectual disability, autosomal dominant 13. Identifiers: MedGen C3281202, MONDO:0013805, OMIM 614563.

Submissions (2):

CeGaT Center for Human Genetics Tuebingen
Classification: Uncertain significance. Last evaluated: 2021-01-01. Review status: criteria provided, single submitter. Criteria: CeGaT Center For Human Genetics Tuebingen Variant Classification Criteria Version 2. Collection method: clinical testing. Allele origin: germline. Affected: yes. Observed: 1 variant allele.

Imagene.me medical diagnostic laboratory, IMAGENE.ME SA
Classification: Pathogenic for Cortical dysplasia, complex, with other brain malformations 13. Review status: criteria provided, single submitter. Criteria: IMAGENE.ME Variant Classification SOP 2022. Collection method: clinical testing. Allele origin: germline.
Comment: Classified according to the IMAGENE.ME variant classification SOP based on the ACMG guidelines as Pathogenic (P): PVS1 + PM2 + PP4_Moderate.

NM_001376.5(DYNC1H1):c.11786_11787del (p.Val3929fs)

Gene: DYNC1H1 (dynein cytoplasmic 1 heavy chain 1; plus strand). Cytogenetic location: 14q32.31.
Variant type: Microsatellite.
Coding change: c.11786_11787del on transcript NM_001376.5 (MANE Select); coding-DNA positions 11786 to 11787, 2 bases deleted (TG; older notation c.11786_11787delTG).
Protein change: p.Val3929fs; shifts the reading frame from valine 3929.
Molecular consequence: frameshift variant.
Genome position (GRCh38, 1-based): chr14:102,040,331-102,040,332, TG deleted; deleting any 2 consecutive bases within chr14:102,040,329-102,040,332 gives the same sequence; the c. name uses the placement nearest the transcript's 3' end. VCF-style (leftmost placement, unchanged base first): chr14-102040328-CTG-C. GRCh37 (hg19) VCF-style: chr14-102506665-CTG-C.
Other names: c.11784_11785del (NM_001376.5); short protein forms V3929fs.
Identifiers: ClinVar variation 1012658 (VCV001012658.39), dbSNP rs2048632306, ClinGen allele CA2159623982.